The following is an entry in ClinVar:

ClinVar aggregate classification (germline): Likely benign. Review status: criteria provided, multiple submitters, no conflicts (2 of 4 stars). 3 submissions from 3 submitters: Likely benign (3). Last evaluated 2024-04-03.

Conditions:
Primary dilated cardiomyopathy (DCM). Also called: Dilated Cardiomyopathy. Identifiers: Orphanet 217604, MedGen C0007193, MeSH D002311, MONDO:0005021, HP:0001644. Inheritance: Various modes of inheritance.
Charcot-Marie-Tooth disease type 2. Also called: Charcot-Marie-Tooth type 2. Identifiers: Orphanet 64746, MedGen C0270914, MONDO:0018993.
Cardiomyopathy (CMYO). Also called: Cardiomyopathies. Identifiers: Orphanet 167848, MedGen C0878544, MONDO:0004994, HP:0001638. Inheritance: Various modes of inheritance.

Allele frequency attached by ClinVar (database versions not stated): gnomAD 0.00001.

Submissions (3):

Labcorp Genetics (formerly Invitae), Labcorp
Classification: Likely benign for Charcot-Marie-Tooth disease type 2. Last evaluated: 2024-04-03. Review status: criteria provided, single submitter. Criteria: Invitae Variant Classification Sherloc (09022015). Collection method: clinical testing. Allele origin: germline.

All of Us Research Program, National Institutes of Health
Classification: Likely benign for Primary dilated cardiomyopathy. Last evaluated: 2024-03-24. Review status: criteria provided, single submitter. Criteria: ACMG Guidelines, 2015. Collection method: clinical testing. Allele origin: germline. Inheritance: Autosomal dominant inheritance. Observed: 5 variant alleles, 5 heterozygotes.
Comment: This study involves interpretation of variants in research participants for the purpose of population health screening. Participant phenotype was not available at the time of variant classification. Additional details can be found in publication PMID: 35346344, PMCID: PMC8962531

Color Diagnostics, LLC DBA Color Health
Classification: Likely benign for Cardiomyopathy. Last evaluated: 2019-06-22. Review status: criteria provided, single submitter. Criteria: ACMG Guidelines, 2015. Collection method: clinical testing. Allele origin: germline.

NM_170707.4(LMNA):c.480C>A (p.Gly160=)

Genes: LMNA (lamin A/C; plus strand), LOC126805877 (MED14-independent group 3 enhancer GRCh37_chr1:156099693-156100892; plus strand). Cytogenetic location: 1q22.
Variant type: single nucleotide variant.
Coding change: c.480C>A on transcript NM_170707.4 (MANE Select); coding-DNA position 480, C replaced by A.
Protein change: p.Gly160=; no amino-acid change (glycine 160 retained).
Molecular consequence: synonymous variant.
Genome position (GRCh38, 1-based): chr1:156,130,740, C>A. VCF-style: chr1-156130740-C-A. GRCh37 (hg19) VCF-style: chr1-156100531-C-A.
Other names: c.144C>A, p.Gly48= (NM_001257374.3); c.237C>A, p.Gly79= (NM_001282624.2); c.480C>A, p.Gly160= (NM_001282625.2, NM_001282626.2, NM_005572.4 and 1 more transcripts).
Identifiers: ClinVar variation 926602 (VCV000926602.11), dbSNP rs758848135, ClinGen allele CA421068347.